The following is an entry in ClinVar:

NM_000018.4(ACADVL):c.946del (p.Arg316fs)

Gene: ACADVL (acyl-CoA dehydrogenase very long chain; plus strand). Cytogenetic location: 17p13.1.
Variant type: Deletion.
Coding change: c.946del on transcript NM_000018.4 (MANE Select); coding-DNA position 946, one base deleted (C; older notation c.946delC).
Protein change: p.Arg316fs; shifts the reading frame from arginine 316.
Molecular consequence: frameshift variant.
Genome position (GRCh38, 1-based): chr17:7,222,734, C deleted. VCF-style (leftmost placement, unchanged base first): chr17-7222733-AC-A. GRCh37 (hg19) VCF-style: chr17-7126052-AC-A.
Other names: c.880del, p.Arg294fs (NM_001033859.3); c.1015del, p.Arg339fs (NM_001270447.2); c.718del, p.Arg240fs (NM_001270448.2); short protein forms R240fs, R294fs, R316fs, R339fs.
Identifiers: ClinVar variation 5011302 (VCV005011302.1).

ClinVar aggregate classification (germline): Pathogenic (1 of 4 stars; one submission).

Conditions:
Very long chain acyl-CoA dehydrogenase deficiency (ACADVLD). Also called: VLCAD Deficiency; Very Long-Chain Acyl-Coenzyme A Dehydrogenase Deficiency. Identifiers: Orphanet 26793, MedGen C3887523, MONDO:0008723, OMIM 201475.

Submission:

Myriad Genetics, Inc.
Classification: Pathogenic for Very long chain acyl-CoA dehydrogenase deficiency. Last evaluated: 2023-08-10. Review status: criteria provided, single submitter. Criteria: Myriad Autosomal Dominant, Autosomal Recessive and X-Linked Classification Criteria (2023). Collection method: clinical testing. Allele origin: unknown.
Comment: NM_000018.3(ACADVL):c.946delC(R316Gfs*37) is expected to be pathogenic in the context of very-long-chain acyl-CoA dehydrogenase deficiency. This variant is predicted to lead to an abnormal or absent protein product due to the creation of a premature termination codon in ACADVL, a gene where loss-of-function variants are known to be pathogenic. Please note: this variant was assessed in the context of healthy population screening.